The following is an entry in ClinVar:

ClinVar aggregate classification (germline): Uncertain significance. Review status: criteria provided, multiple submitters, no conflicts (2 of 4 stars). 2 submissions from 2 submitters: Uncertain significance (2). Last evaluated 2025-05-18.

Allele frequency attached by ClinVar (database versions not stated): gnomAD exomes 0.00001; ExAC 0.00007; ESP Exome Variant Server 0.00008; TOPMed 0.00015; gnomAD 0.00017; 1000 Genomes Project 0.00020; 1000 Genomes Project 30x 0.00031.

Submissions (2):

Ambry Genetics
Classification: Uncertain significance. Last evaluated: 2025-05-18. Review status: criteria provided, single submitter. Criteria: Ambry Variant Classification Scheme 2023. Collection method: clinical testing. Allele origin: germline.

Labcorp Genetics (formerly Invitae), Labcorp
Classification: Uncertain significance. Last evaluated: 2024-04-22. Review status: criteria provided, single submitter. Criteria: Invitae Variant Classification Sherloc (09022015). Collection method: clinical testing. Allele origin: germline.
Comment: This sequence change replaces glutamine, which is neutral and polar, with arginine, which is basic and polar, at codon 207 of the CARD8 protein (p.Gln207Arg). This variant is present in population databases (rs34646986, gnomAD 0.04%). This variant has not been reported in the literature in individuals affected with CARD8-related conditions. ClinVar contains an entry for this variant (Variation ID: 1982199). An algorithm developed to predict the effect of missense changes on protein structure and function (PolyPhen-2) suggests that this variant is likely to be tolerated. In summary, the available evidence is currently insufficient to determine the role of this variant in disease. Therefore, it has been classified as a Variant of Uncertain Significance.

NM_001184900.3(CARD8):c.770A>G (p.Gln257Arg)

Gene: CARD8 (caspase recruitment domain family member 8; minus strand). Cytogenetic location: 19q13.33.
Variant type: single nucleotide variant.
Coding change: c.770A>G on transcript NM_001184900.3 (MANE Select); coding-DNA position 770, A replaced by G.
Protein change: p.Gln257Arg; replaces glutamine 257 with arginine.
Molecular consequence: missense variant. On other transcripts: non-coding transcript variant (4).
Genome position (GRCh38, 1-based): chr19:48,230,779, T>C on the plus strand (A>G on the coding strand, the complement: CARD8 is on the minus strand). VCF-style: chr19-48230779-T-C. GRCh37 (hg19) VCF-style: chr19-48734036-T-C.
Other names: c.770A>G (NM_001184900.1); c.620A>G, p.Gln207Arg (NM_001184901.1, NM_001351783.2, NM_001351788.2 and 2 more transcripts); c.770A>G, p.Gln257Arg (NM_001184902.2, NM_001184903.1, NM_001351782.2); c.455A>G, p.Gln152Arg (NM_001351784.2, NM_001351787.2, NM_001351791.2 and 2 more transcripts); c.434A>G, p.Gln145Arg (NM_001351786.2); c.527A>G, p.Gln176Arg (NM_001351790.2); short protein forms Q145R, Q257R, Q152R, Q176R, Q207R.
Identifiers: ClinVar variation 1982199 (VCV001982199.5), dbSNP rs34646986, ClinGen allele CA9547931.